The following is an entry in ClinVar:

ClinVar aggregate classification (germline): Uncertain significance (1 of 4 stars; one submission).

gnomAD v4.1: 7 of 1,613,482 alleles (0.00043%); highest among the groups gnomAD compares: African/African-American, 0.0013%; no homozygotes.

Submission:

Labcorp Genetics (formerly Invitae), Labcorp
Classification: Uncertain significance. Last evaluated: 2025-10-26. Review status: criteria provided, single submitter. Criteria: Invitae Variant Classification Sherloc (09022015). Collection method: clinical testing. Allele origin: germline.
Comment: This sequence change replaces alanine, which is neutral and non-polar, with threonine, which is neutral and polar, at codon 427 of the NYNRIN protein (p.Ala427Thr). This variant is present in population databases (no rsID available, gnomAD 0.0009%). This variant has not been reported in the literature in individuals affected with NYNRIN-related conditions. An algorithm developed to predict the effect of missense changes on protein structure and function outputs the following: PolyPhen-2: "Not Available". The threonine amino acid residue is found in multiple mammalian species, which suggests that this missense change does not adversely affect protein function. In summary, the available evidence is currently insufficient to determine the role of this variant in disease. Therefore, it has been classified as a Variant of Uncertain Significance.

NM_025081.3(NYNRIN):c.1279G>A (p.Ala427Thr)

Gene: NYNRIN (NYN domain and retroviral integrase containing; plus strand). Cytogenetic location: 14q12.
Variant type: single nucleotide variant.
Coding change: c.1279G>A on transcript NM_025081.3 (MANE Select); coding-DNA position 1279, G replaced by A.
Protein change: p.Ala427Thr; replaces alanine 427 with threonine.
Molecular consequence: missense variant.
Genome position (GRCh38, 1-based): chr14:24,409,073, G>A. VCF-style: chr14-24409073-G-A. GRCh37 (hg19) VCF-style: chr14-24878279-G-A.
Other names: short protein forms A427T.
Identifiers: ClinVar variation 4803537 (VCV004803537.1).